The following is an entry in ClinVar:

NM_015338.6(ASXL1):c.2115G>A (p.Glu705=)

Gene: ASXL1 (ASXL transcriptional regulator 1; plus strand). Cytogenetic location: 20q11.21.
Variant type: single nucleotide variant.
Coding change: c.2115G>A on transcript NM_015338.6 (MANE Select); coding-DNA position 2115, G replaced by A.
Protein change: p.Glu705=; no amino-acid change (glutamic acid 705 retained).
Molecular consequence: synonymous variant.
Genome position (GRCh38, 1-based): chr20:32,434,827, G>A. VCF-style: chr20-32434827-G-A. GRCh37 (hg19) VCF-style: chr20-31022630-G-A.
Other names: c.1932G>A, p.Glu644= (NM_001363734.1).
Identifiers: ClinVar variation 3052403 (VCV003052403.3), dbSNP rs767393033, ClinGen allele CA9808544.

ClinVar aggregate classification (germline): Likely benign. Review status: criteria provided, single submitter (1 of 4 stars). 2 submissions from 2 submitters: Likely benign (1). 1 of the submissions does not count toward it. Last evaluated 2024-12-08.

Conditions:
ASXL1-related disorder. Also called: ASXL1-related disorders; ASXL1-related condition.
Inborn genetic diseases. Identifiers: MedGen C0950123, MeSH D030342.

Allele frequency attached by ClinVar (database versions not stated): ExAC 0.00001; TOPMed 0.00001; gnomAD exomes 0.00002.
gnomAD v4.1: 33 of 1,614,146 alleles (0.002%); highest among the groups gnomAD compares: Non-Finnish European, 0.0028%; no homozygotes.

Submissions (2):

Ambry Genetics
Classification: Likely benign for Inborn genetic diseases. Last evaluated: 2024-12-08. Review status: criteria provided, single submitter. Criteria: Ambry Variant Classification Scheme 2023. Collection method: clinical testing. Allele origin: germline.

PreventionGenetics, part of Exact Sciences
Classification: Likely benign for ASXL1-related condition. Last evaluated: 2019-08-22. Review status: no assertion criteria provided. Collection method: clinical testing. Allele origin: germline. Not counted in ClinVar's aggregate classification.
Comment: This variant is classified as likely benign based on ACMG/AMP sequence variant interpretation guidelines (Richards et al. 2015 PMID: 25741868, with internal and published modifications).